The following is an entry in ClinVar:

NM_000059.4(BRCA2):c.3303T>A (p.His1101Gln)

Gene: BRCA2 (BRCA2 DNA repair associated; plus strand). Cytogenetic location: 13q13.1.
Variant type: single nucleotide variant.
Coding change: c.3303T>A on transcript NM_000059.4 (MANE Select); coding-DNA position 3303, T replaced by A.
Protein change: p.His1101Gln; replaces histidine 1101 with glutamine.
Molecular consequence: missense variant.
Genome position (GRCh38, 1-based): chr13:32,337,658, T>A. VCF-style: chr13-32337658-T-A. GRCh37 (hg19) VCF-style: chr13-32911795-T-A.
Other names: c.3303T>A, p.His1101Gln (NM_001406719.1, NM_001406720.1); short protein forms H1101Q.
Identifiers: ClinVar variation 1730007 (VCV001730007.4), dbSNP rs2137495254, ClinGen allele CA387776176.

ClinVar aggregate classification (germline): Conflicting classifications of pathogenicity. Review status: criteria provided, conflicting classifications (1 of 4 stars). 2 submissions from 2 submitters: Uncertain significance (1); Likely benign (1). Last evaluated 2023-03-23.

Conditions:
Hereditary cancer-predisposing syndrome. Also called: Neoplastic Syndromes, Hereditary; Tumor predisposition; Hereditary Cancer Syndrome; Hereditary neoplastic syndrome. Identifiers: Orphanet 140162, MedGen C0027672, MeSH D009386, MONDO:0015356.

Submissions (2):

University of Washington Department of Laboratory Medicine, University of Washington
Classification: Likely benign for Hereditary cancer-predisposing syndrome. Last evaluated: 2023-03-23. Review status: criteria provided, single submitter. Criteria: Dines et al. (Genet Med. 2020). Collection method: curation. Allele origin: germline.
Comment: Missense variant in a coldspot region where missense variants are very unlikely to be pathogenic (PMID:31911673).

BRCA2 exon 11 coldspot. Reclassification based on statistical prior probability.

Ambry Genetics
Classification: Uncertain significance for Hereditary cancer-predisposing syndrome. Last evaluated: 2021-12-11. Review status: criteria provided, single submitter. Criteria: Ambry Variant Classification Scheme 2023. Collection method: clinical testing. Allele origin: germline.
Comment: The p.H1101Q variant (also known as c.3303T>A), located in coding exon 10 of the BRCA2 gene, results from a T to A substitution at nucleotide position 3303. The histidine at codon 1101 is replaced by glutamine, an amino acid with highly similar properties. This amino acid position is conserved. In addition, this alteration is predicted to be tolerated by in silico analysis. Since supporting evidence is limited at this time, the clinical significance of this alteration remains unclear.